The following is an entry in ClinVar:

ClinVar aggregate classification (germline): Uncertain significance. Review status: criteria provided, multiple submitters, no conflicts (2 of 4 stars). 4 submissions from 4 submitters: Uncertain significance (3). 1 of the submissions does not count toward it. Last evaluated 2024-11-23.

Conditions:
FRAS1-related disorder. Also called: FRAS1-related condition.

Allele frequency attached by ClinVar (database versions not stated): ExAC 0.00004; TOPMed 0.00005; gnomAD 0.00010; gnomAD exomes 0.00014; 1000 Genomes Project 0.00020; 1000 Genomes Project 30x 0.00031.
gnomAD v4.1: 44 of 1,557,446 alleles (0.0028%); highest among the groups gnomAD compares: East Asian, 0.087%; no homozygotes.

Submissions (4):

Labcorp Genetics (formerly Invitae), Labcorp
Classification: Uncertain significance. Last evaluated: 2024-11-23. Review status: criteria provided, single submitter. Criteria: Invitae Variant Classification Sherloc (09022015). Collection method: clinical testing. Allele origin: germline.
Comment: This sequence change replaces threonine, which is neutral and polar, with serine, which is neutral and polar, at codon 1577 of the FRAS1 protein (p.Thr1577Ser). This variant is present in population databases (rs183594682, gnomAD 0.2%). This variant has not been reported in the literature in individuals affected with FRAS1-related conditions. ClinVar contains an entry for this variant (Variation ID: 196986). Invitae Evidence Modeling of protein sequence and biophysical properties (such as structural, functional, and spatial information, amino acid conservation, physicochemical variation, residue mobility, and thermodynamic stability) indicates that this missense variant is expected to disrupt FRAS1 protein function with a positive predictive value of 80%. In summary, the available evidence is currently insufficient to determine the role of this variant in disease. Therefore, it has been classified as a Variant of Uncertain Significance.

Blueprint Genetics
Classification: Uncertain significance. Last evaluated: 2024-03-05. Review status: criteria provided, single submitter. Criteria: ACMG Guidelines, 2015. Collection method: clinical testing. Allele origin: germline.

Eurofins Ntd Llc (ga)
Classification: Uncertain significance. Last evaluated: 2015-05-06. Review status: criteria provided, single submitter. Criteria: EGL Classification Definitions 2015. Collection method: clinical testing. Allele origin: germline. Observed: 2 variant alleles, 2 heterozygotes.

PreventionGenetics, part of Exact Sciences
Classification: Likely benign for FRAS1-related condition. Last evaluated: 2023-12-15. Review status: no assertion criteria provided. Collection method: clinical testing. Allele origin: germline. Not counted in ClinVar's aggregate classification.
Comment: This variant is classified as likely benign based on ACMG/AMP sequence variant interpretation guidelines (Richards et al. 2015 PMID: 25741868, with internal and published modifications).

NM_025074.7(FRAS1):c.4729A>T (p.Thr1577Ser)

Gene: FRAS1 (Fraser extracellular matrix complex subunit 1; plus strand). Cytogenetic location: 4q21.21.
Variant type: single nucleotide variant.
Coding change: c.4729A>T on transcript NM_025074.7 (MANE Select); coding-DNA position 4729, A replaced by T.
Protein change: p.Thr1577Ser; replaces threonine 1577 with serine.
Molecular consequence: missense variant.
Genome position (GRCh38, 1-based): chr4:78,429,112, A>T. VCF-style: chr4-78429112-A-T. GRCh37 (hg19) VCF-style: chr4-79350266-A-T.
Other names: c.4729A>T, p.Thr1577Ser (NM_001166133.2); c.4729A>T (NM_025074.6); short protein forms T1577S.
Identifiers: ClinVar variation 196986 (VCV000196986.13), dbSNP rs183594682, ClinGen allele CA244852.
Genomic context (GRCh38, chr4:78,429,112, plus strand): 5'-GTGTGTGTGTGTCTCTGTGTGTGTGTGCATTTATCCTTTTTAGTTTCAGATGGAGAACAC[A>T]CAAGTCCGGAGATGGTCCTCACCATTCACTTACTTCCCAGTGATCAGCAACTGCCAGTGT-3'
Protein context (NP_079350.5, residues 1567-1587): FHFTVSDGEH[Thr1577Ser]SPEMVLTIHL